The following is an entry in ClinVar:

ClinVar aggregate classification (germline): Uncertain significance. Review status: criteria provided, multiple submitters, no conflicts (2 of 4 stars). 5 submissions from 5 submitters: Uncertain significance (5). Last evaluated 2026-01-05.

Conditions:
Hereditary cancer-predisposing syndrome. Also called: Neoplastic Syndromes, Hereditary; Tumor predisposition; Hereditary Cancer Syndrome; Hereditary neoplastic syndrome. Identifiers: Orphanet 140162, MedGen C0027672, MeSH D009386, MONDO:0015356.
Familial cancer of breast. Also called: BREAST CANCER, FAMILIAL; hereditary breast carcinoma; Hereditary breast cancer. Identifiers: Orphanet 227535, MedGen C0346153, MONDO:0016419, OMIM 114480. Disease mechanism: loss of function.

Submissions (5):

Labcorp Genetics (formerly Invitae), Labcorp
Classification: Uncertain significance for Familial cancer of breast. Last evaluated: 2026-01-05. Review status: criteria provided, single submitter. Criteria: Invitae Variant Classification Sherloc (09022015). Collection method: clinical testing. Allele origin: germline.
Comment: This sequence change replaces threonine, which is neutral and polar, with asparagine, which is neutral and polar, at codon 387 of the CHEK2 protein (p.Thr387Asn). This variant is present in population databases (rs587780168, gnomAD 0.0009%). This missense change has been observed in individual(s) with clinical features of Li-Fraumeni syndrome (PMID: 21348412). ClinVar contains an entry for this variant (Variation ID: 231287). An algorithm developed to predict the effect of missense changes on protein structure and function (PolyPhen-2) suggests that this variant is likely to be disruptive. In summary, the available evidence is currently insufficient to determine the role of this variant in disease. Therefore, it has been classified as a Variant of Uncertain Significance.

Ambry Genetics
Classification: Uncertain significance for Hereditary cancer-predisposing syndrome. Last evaluated: 2025-04-19. Review status: criteria provided, single submitter. Criteria: Ambry Variant Classification Scheme 2023. Collection method: clinical testing. Allele origin: germline.
Comment: The p.T387N variant (also known as c.1160C>A), located in coding exon 10 of the CHEK2 gene, results from a C to A substitution at nucleotide position 1160. The threonine at codon 387 is replaced by asparagine, an amino acid with similar properties. The Thr-387 residue is an autophosphorylation site located within the activation loop of the Chk2 kinase domain, and has been demonstrated to have a dependency on Chk2 kinase activity for phosphorylation (Wu X et al. Hum. Mutat. 2006 Aug;27(8):742-7; Schwarz JK et al. Mol. Cancer Res. 2003 Jun; 1(8):598-609). This amino acid position is highly conserved in available vertebrate species. In addition, the in silico prediction for this alteration is inconclusive. Since supporting evidence is limited at this time, the clinical significance of this alteration remains unclear.

Baylor Genetics
Classification: Uncertain significance for Familial cancer of breast. Last evaluated: 2023-11-17. Review status: criteria provided, single submitter. Criteria: ACMG Guidelines, 2015. Collection method: clinical testing. Allele origin: unknown.

Genetic Services Laboratory, University of Chicago
Classification: Uncertain significance. Last evaluated: 2019-06-25. Review status: criteria provided, single submitter. Criteria: ACMG Guidelines, 2015. Collection method: clinical testing. Allele origin: germline. Affected: no.

Color Diagnostics, LLC DBA Color Health
Classification: Uncertain significance for Hereditary cancer-predisposing syndrome. Last evaluated: 2018-09-17. Review status: criteria provided, single submitter. Criteria: ACMG Guidelines, 2015. Collection method: clinical testing. Allele origin: germline.

Literature cited by the submitters: PubMed 21348412 (cited by Labcorp Genetics (formerly Invitae), Labcorp); PubMed 12805407 (cited by Ambry Genetics); PubMed 16835864 (cited by Ambry Genetics); PubMed 16941491 (cited by Ambry Genetics); PubMed 18297428 (cited by Ambry Genetics).

NM_007194.4(CHEK2):c.1160C>A (p.Thr387Asn)

Gene: CHEK2 (checkpoint kinase 2; minus strand). Cytogenetic location: 22q12.1.
Variant type: single nucleotide variant.
Coding change: c.1160C>A on transcript NM_007194.4 (MANE Select); coding-DNA position 1160, C replaced by A.
Protein change: p.Thr387Asn; replaces threonine 387 with asparagine.
Molecular consequence: missense variant.
Genome position (GRCh38, 1-based): chr22:28,695,809, G>T on the plus strand (C>A on the coding strand, the complement: CHEK2 is on the minus strand). VCF-style: chr22-28695809-G-T. GRCh37 (hg19) VCF-style: chr22-29091797-G-T.
Other names: c.1289C>A, p.Thr430Asn (NM_001005735.3); c.497C>A, p.Thr166Asn (NM_001257387.3); c.959C>A, p.Thr320Asn (NM_001349956.3); c.1073C>A, p.Thr358Asn (NM_145862.3); short protein forms T387N, T320N, T358N, T166N, T430N.
Identifiers: ClinVar variation 231287 (VCV000231287.23), dbSNP rs587780168, ClinGen allele CA10167716.
Genomic context (GRCh38, chr22:28,695,809, plus strand): 5'-GCACGGTTATACCCAGCAGTCCCAACAGAAACAAGAACTTCAGGCGCCAAGTAGGTGGGG[G>T]TTCCACATAAGGTTCTCATGAGAGAGGTCTCTCCCAAAATCTTGGAGTGCCCAAAATCAG-3'
Protein context (NP_009125.1, residues 377-397): ETSLMRTLCG[Thr387Asn]PTYLAPEVLV